The following is an entry in ClinVar:

ClinVar aggregate classification (germline): Uncertain significance. Review status: criteria provided, multiple submitters, no conflicts (2 of 4 stars). 2 submissions from 2 submitters: Uncertain significance (2). Last evaluated 2025-06-27.

Conditions:
LHX3-related disorder. Also called: LHX3-related condition.

Allele frequency attached by ClinVar (database versions not stated): gnomAD 0.00001; gnomAD exomes 0.00001; TOPMed 0.00001.
gnomAD v4.1: 21 of 1,532,788 alleles (0.0014%); highest among the groups gnomAD compares: Non-Finnish European, 0.0018%; 1 homozygote.

Submissions (2):

PreventionGenetics, part of Exact Sciences
Classification: Uncertain significance for LHX3-related condition. Last evaluated: 2025-06-27. Review status: criteria provided, single submitter. Criteria: ACMG Guidelines, 2015. Collection method: clinical testing. Allele origin: germline.
Comment: The LHX3 c.967C>A variant is predicted to result in the amino acid substitution p.Pro323Thr. To our knowledge, this variant has not been reported in the literature. This variant is reported in 0.0041% of alleles in individuals of European (Non-Finnish) descent in gnomAD. At this time, the clinical significance of this variant is uncertain due to the absence of conclusive functional and genetic evidence.

Labcorp Genetics (formerly Invitae), Labcorp
Classification: Uncertain significance. Last evaluated: 2022-06-04. Review status: criteria provided, single submitter. Criteria: Invitae Variant Classification Sherloc (09022015). Collection method: clinical testing. Allele origin: germline.
Comment: This sequence change replaces proline, which is neutral and non-polar, with threonine, which is neutral and polar, at codon 323 of the LHX3 protein (p.Pro323Thr). The frequency data for this variant in the population databases is considered unreliable, as metrics indicate poor data quality at this position in the gnomAD database. This variant has not been reported in the literature in individuals affected with LHX3-related conditions. Algorithms developed to predict the effect of missense changes on protein structure and function are either unavailable or do not agree on the potential impact of this missense change (SIFT: "Not Available"; PolyPhen-2: "Benign"; Align-GVGD: "Not Available"). In summary, the available evidence is currently insufficient to determine the role of this variant in disease. Therefore, it has been classified as a Variant of Uncertain Significance.

NM_178138.6(LHX3):c.952C>A (p.Pro318Thr)

Gene: LHX3 (LIM homeobox 3; minus strand). Cytogenetic location: 9q34.3.
Variant type: single nucleotide variant.
Coding change: c.952C>A on transcript NM_178138.6 (MANE Select); coding-DNA position 952, C replaced by A.
Protein change: p.Pro318Thr; replaces proline 318 with threonine.
Molecular consequence: missense variant.
Genome position (GRCh38, 1-based): chr9:136,197,567, G>T on the plus strand (C>A on the coding strand, the complement: LHX3 is on the minus strand). VCF-style: chr9-136197567-G-T. GRCh37 (hg19) VCF-style: chr9-139089413-G-T.
Other names: c.919C>A, p.Pro307Thr (NM_001363746.1); c.967C>A, p.Pro323Thr (NM_014564.5); c.967C>A (NM_014564.4); short protein forms P307T, P323T, P318T.
Identifiers: ClinVar variation 2140133 (VCV002140133.2), dbSNP rs749578356, ClinGen allele CA5330287.